The following is an entry in ClinVar:

ClinVar aggregate classification (germline): Benign (1 of 4 stars; one submission).

Allele frequency attached by ClinVar (database versions not stated): ESP Exome Variant Server 0.00545; 1000 Genomes Project 30x 0.00734; ExAC 0.00132; gnomAD exomes 0.00046; gnomAD 0.00475; 1000 Genomes Project 0.00679.
gnomAD v4.1: 1,243 of 1,378,210 alleles (0.09%); highest among the groups gnomAD compares: African/African-American, 1.4%; 216 homozygotes.

Submission:

CeGaT Center for Human Genetics Tuebingen
Classification: Benign. Last evaluated: 2023-06-01. Review status: criteria provided, single submitter. Criteria: CeGaT Center For Human Genetics Tuebingen Variant Classification Criteria Version 2. Collection method: clinical testing. Allele origin: germline. Affected: yes. Observed: 1 variant allele.
Comment: RHD: BP4, BS1, BS2

NM_016124.6(RHD):c.1048G>C (p.Asp350His)

Genes: RHD (Rh blood group D antigen; plus strand), RSRP1 (arginine and serine rich protein 1; minus strand). Cytogenetic location: 1p36.11.
Variant type: single nucleotide variant.
Coding change: c.1048G>C on transcript NM_016124.6 (MANE Select); coding-DNA position 1048, G replaced by C.
Protein change: p.Asp350His; replaces aspartic acid 350 with histidine.
Molecular consequence: missense variant. On other transcripts: non-coding transcript variant (1), intron variant (3).
Genome position (GRCh38, 1-based): chr1:25,306,704, G>C. VCF-style: chr1-25306704-G-C. GRCh37 (hg19) VCF-style: chr1-25633195-G-C.
Other names: c.550G>C, p.Asp184His (NM_001282867.1); c.1048G>C, p.Asp350His (NM_001282869.2, NM_001282870.1, NM_001282871.2 and 1 more transcripts); c.-67+30336C>G (NM_001321772.2); c.939+3245G>C (NM_001282868.1, NM_001127691.3); short protein forms D184H, D350H.
Identifiers: ClinVar variation 2638497 (VCV002638497.22), dbSNP rs41307826, ClinGen allele CA694207.